The following is an entry in ClinVar:

ClinVar aggregate classification (germline): Uncertain significance. Review status: criteria provided, multiple submitters, no conflicts (2 of 4 stars). 2 submissions from 2 submitters: Uncertain significance (2). Last evaluated 2022-08-16.

Conditions:
MEGF10-related myopathy (CMYO10A). Also called: Congenital myopathy 10A, severe variant. Identifiers: Orphanet 439212, MedGen C3280679, MONDO:0013731, OMIM 614399.
Inborn genetic diseases. Identifiers: MedGen C0950123, MeSH D030342.

Allele frequency attached by ClinVar (database versions not stated): TOPMed 0.00006.

Submissions (2):

Ambry Genetics
Classification: Uncertain significance for Inborn genetic diseases. Last evaluated: 2022-08-16. Review status: criteria provided, single submitter. Criteria: Ambry Variant Classification Scheme 2023. Collection method: clinical testing. Allele origin: germline.

Labcorp Genetics (formerly Invitae), Labcorp
Classification: Uncertain significance for MEGF10-related myopathy. Last evaluated: 2019-07-28. Review status: criteria provided, single submitter. Criteria: Invitae Variant Classification Sherloc (09022015). Collection method: clinical testing. Allele origin: germline.
Comment: In summary, the available evidence is currently insufficient to determine the role of this variant in disease. Therefore, it has been classified as a Variant of Uncertain Significance. This sequence change replaces arginine with histidine at codon 541 of the MEGF10 protein (p.Arg541His). The arginine residue is highly conserved and there is a small physicochemical difference between arginine and histidine. This variant is present in population databases (rs142664089, ExAC 0.002%). This variant has not been reported in the literature in individuals with MEGF10-related conditions. Algorithms developed to predict the effect of missense changes on protein structure and function (SIFT, PolyPhen-2, Align-GVGD) all suggest that this variant is likely to be disruptive, but these predictions have not been confirmed by published functional studies and their clinical significance is uncertain.

NM_001256545.2(MEGF10):c.1622G>A (p.Arg541His)

Gene: MEGF10 (multiple EGF like domains 10; plus strand). Cytogenetic location: 5q23.2.
Variant type: single nucleotide variant.
Coding change: c.1622G>A on transcript NM_001256545.2 (MANE Select); coding-DNA position 1622, G replaced by A.
Protein change: p.Arg541His; replaces arginine 541 with histidine.
Molecular consequence: missense variant.
Genome position (GRCh38, 1-based): chr5:127,422,701, G>A. VCF-style: chr5-127422701-G-A. GRCh37 (hg19) VCF-style: chr5-126758393-G-A.
Other names: c.1622G>A, p.Arg541His (NM_001308119.2, NM_001308121.2, NM_032446.3); short protein forms R541H.
Identifiers: ClinVar variation 955296 (VCV000955296.11), dbSNP rs142664089, ClinGen allele CA3391652.